The following is an entry in ClinVar:

ClinVar aggregate classification (germline): Benign/Likely benign. Review status: criteria provided, multiple submitters, no conflicts (2 of 4 stars). 2 submissions from 2 submitters: Benign (1); Likely benign (1). Last evaluated 2025-12-29.

Conditions:
Ataxia-telangiectasia syndrome (AT). Also called: Ataxia-telangiectasia, complementation group E; Ataxia-telangiectasia, complementation group D; Ataxia telangiectasia (A-T); LOUIS-BAR SYNDROME; ATAXIA-TELANGIECTASIA, COMPLEMENTATION GROUP A; ATAXIA-TELANGIECTASIA, FRESNO VARIANT. Identifiers: Orphanet 100, MedGen C0004135, MONDO:0008840, OMIM 208900.
Familial cancer of breast. Also called: BREAST CANCER, FAMILIAL; Hereditary breast cancer; hereditary breast carcinoma. Identifiers: Orphanet 227535, MedGen C0346153, MONDO:0016419, OMIM 114480. Disease mechanism: loss of function.

Allele frequency attached by ClinVar (database versions not stated): gnomAD exomes below 0.00001.
gnomAD v4.1: 1 of 1,613,946 alleles (0.000062%); highest among the groups gnomAD compares: Middle Eastern, 0.017%; no homozygotes.

Submissions (2):

Labcorp Genetics (formerly Invitae), Labcorp
Classification: Likely benign for Ataxia-telangiectasia syndrome. Last evaluated: 2025-12-29. Review status: criteria provided, single submitter. Criteria: Invitae Variant Classification Sherloc (09022015). Collection method: clinical testing. Allele origin: germline.

Myriad Genetics, Inc.
Classification: Benign for Familial cancer of breast. Last evaluated: 2024-05-22. Review status: criteria provided, single submitter. Criteria: Myriad Autosomal Dominant, Autosomal Recessive and X-Linked Classification Criteria (2023). Collection method: clinical testing. Allele origin: unknown.
Comment: This variant is considered benign. This variant is a silent/synonymous amino acid change and it is not expected to impact splicing.

NM_000051.4(ATM):c.5139A>C (p.Ile1713=)

Gene: ATM (ATM serine/threonine kinase; plus strand). Cytogenetic location: 11q22.3.
Variant type: single nucleotide variant.
Coding change: c.5139A>C on transcript NM_000051.4 (MANE Select); coding-DNA position 5139, A replaced by C.
Protein change: p.Ile1713=; no amino-acid change (isoleucine 1713 retained).
Molecular consequence: synonymous variant.
Genome position (GRCh38, 1-based): chr11:108,299,847, A>C. VCF-style: chr11-108299847-A-C. GRCh37 (hg19) VCF-style: chr11-108170574-A-C.
Other names: c.5139A>C, p.Ile1713= (NM_001351834.2).
Identifiers: ClinVar variation 795448 (VCV000795448.11), dbSNP rs1233346885, ClinGen allele CA476674720.